The following is an entry in ClinVar:

NM_032043.3(BRIP1):c.1510A>T (p.Ile504Phe)

Gene: BRIP1 (BRCA1 interacting helicase 1; minus strand). Cytogenetic location: 17q23.2.
Variant type: single nucleotide variant.
Coding change: c.1510A>T on transcript NM_032043.3 (MANE Select); coding-DNA position 1510, A replaced by T.
Protein change: p.Ile504Phe; replaces isoleucine 504 with phenylalanine.
Molecular consequence: missense variant.
Genome position (GRCh38, 1-based): chr17:61,784,388, T>A on the plus strand (A>T on the coding strand, the complement: BRIP1 is on the minus strand). VCF-style: chr17-61784388-T-A. GRCh37 (hg19) VCF-style: chr17-59861749-T-A.
Other names: short protein forms I504F.
Identifiers: ClinVar variation 929540 (VCV000929540.1), dbSNP rs2077671480, ClinGen allele CA400481369.
Genomic context (GRCh38, chr17:61,784,388, plus strand): 5'-GAGTTGATGCACTAATAACAGGTACTTCTCTTGCCTCCTCTTTACCATAAATTGGTGAGA[T>A]TTTTTCCTCTTTTTGAAGAACAGCAGAAAAATGTCCCTATAAGAAATTACCATATTAAGT-3'
Protein context (NP_114432.2, residues 494-514): FSAVLQKEEK[Ile504Phe]SPIYGKEEAR

ClinVar aggregate classification (germline): Uncertain significance (0 of 4 stars; one submission).

Submission:

Leiden Open Variation Database
Classification: Uncertain significance. Last evaluated: 2019-08-13. Review status: no assertion criteria provided. Collection method: curation. Allele origin: germline. Affected: yes.
Comment: Curator: Arleen D. Auerbach. Submitter to LOVD: Yukihide Momozawa.

Literature cited by the submitters: PubMed 31214711.